The following is an entry in ClinVar:

NM_025137.4(SPG11):c.5246C>T (p.Ser1749Phe)

Genes: SPG11 (SPG11 vesicle trafficking associated, spatacsin; minus strand), LOC130056971 (ATAC-STARR-seq lymphoblastoid silent region 6398; plus strand). Cytogenetic location: 15q21.1.
Variant type: single nucleotide variant.
Coding change: c.5246C>T on transcript NM_025137.4 (MANE Select); coding-DNA position 5246, C replaced by T.
Protein change: p.Ser1749Phe; replaces serine 1749 with phenylalanine.
Molecular consequence: missense variant.
Genome position (GRCh38, 1-based): chr15:44,584,434, G>A on the plus strand (C>T on the coding strand, the complement: SPG11 is on the minus strand). VCF-style: chr15-44584434-G-A. GRCh37 (hg19) VCF-style: chr15-44876632-G-A.
Other names: c.5246C>T, p.Ser1749Phe (NM_001160227.2); short protein forms S1749F.
Identifiers: ClinVar variation 466537 (VCV000466537.9), dbSNP rs1555448970, ClinGen allele CA392222964.

ClinVar aggregate classification (germline): Uncertain significance (1 of 4 stars; one submission).

Conditions:
Hereditary spastic paraplegia 11. Also called: SPASTIC PARAPLEGIA, AUTOSOMAL RECESSIVE, COMPLICATED, WITH THIN CORPUS CALLOSUM; SPASTIC PARAPLEGIA, AUTOSOMAL RECESSIVE, WITH MENTAL IMPAIRMENT AND THIN CORPUS CALLOSUM; Nakamura Osame syndrome; Autosomal recessive hereditary spastic paraplegia, mental impairment, and thin corpus callosum; Spastic paraplegia, mental retardation and thin corpus callosum; Spastic Paraplegia 11. Identifiers: Orphanet 2822, MedGen C1858479, MONDO:0011445, OMIM 604360.

Submission:

Labcorp Genetics (formerly Invitae), Labcorp
Classification: Uncertain significance for Hereditary spastic paraplegia 11. Last evaluated: 2017-07-07. Review status: criteria provided, single submitter. Criteria: Invitae Variant Classification Sherloc (09022015). Collection method: clinical testing. Allele origin: germline.
Comment: This variant has not been reported in the literature in individuals with SPG11-related disease. This variant is not present in population databases (ExAC no frequency). This sequence change replaces serine with phenylalanine at codon 1749 of the SPG11 protein (p.Ser1749Phe). The serine residue is moderately conserved and there is a large physicochemical difference between serine and phenylalanine. Algorithms developed to predict the effect of missense changes on protein structure and function (SIFT, PolyPhen-2, Align-GVGD) all suggest that this variant is likely to be tolerated, but these predictions have not been confirmed by published functional studies and their clinical significance is uncertain. In summary, the available evidence is currently insufficient to determine the role of this variant in disease. Therefore, it has been classified as a Variant of Uncertain Significance.